The following is an entry in ClinVar:

NM_199355.4(ADAMTS18):c.1525_1528dup (p.Leu510fs)

Gene: ADAMTS18 (ADAM metallopeptidase with thrombospondin type 1 motif 18; minus strand). Cytogenetic location: 16q23.1.
Variant type: Duplication.
Coding change: c.1525_1528dup on transcript NM_199355.4 (MANE Select); coding-DNA positions 1525 to 1528, 4 bases duplicated (AAAC; older notation c.1525_1528dupAAAC).
Protein change: p.Leu510fs; shifts the reading frame from leucine 510.
Molecular consequence: frameshift variant.
Genome position (GRCh38, 1-based): chr16:77,353,819-77,353,822, GTTT duplicated on the plus strand (AAAC on the coding strand, the reverse complement: ADAMTS18 is on the minus strand); duplicating any 4 consecutive bases within chr16:77,353,819-77,353,824 gives the same sequence; the c. name uses the placement nearest the transcript's 3' end. VCF-style (leftmost placement, unchanged base first): chr16-77353818-A-AGTTT. GRCh37 (hg19) VCF-style: chr16-77387715-A-AGTTT.
Other names: c.1009_1012dup, p.Leu338fs (NM_001326358.2); short protein forms L510fs, L338fs.
Identifiers: ClinVar variation 4996070 (VCV004996070.1).

ClinVar aggregate classification (germline): Likely pathogenic (1 of 4 stars; one submission).

Conditions:
ADAMTS18-related disorder. Also called: ADAMTS18-related condition.

Submission:

PreventionGenetics, part of Exact Sciences
Classification: Likely pathogenic for ADAMTS18-related condition. Last evaluated: 2026-04-22. Review status: criteria provided, single submitter. Criteria: ACMG Guidelines, 2015. Collection method: clinical testing. Allele origin: germline.
Comment: The ADAMTS18 c.1525_1528dupAAAC variant is predicted to result in a frameshift and premature protein termination (p.Leu510Glnfs*8). To our knowledge, this variant has not been reported in the literature or in a large population database (gnomAD), indicating this variant is rare. Frameshift variants in ADAMTS18 are expected to be pathogenic. This variant is interpreted as likely pathogenic.